The following is an entry in ClinVar:

NM_170754.4(TNS2):c.764C>T (p.Ala255Val)

Gene: TNS2 (tensin 2; plus strand). Cytogenetic location: 12q13.13.
Variant type: single nucleotide variant.
Coding change: c.764C>T on transcript NM_170754.4 (MANE Select); coding-DNA position 764, C replaced by T.
Protein change: p.Ala255Val; replaces alanine 255 with valine.
Molecular consequence: missense variant.
Genome position (GRCh38, 1-based): chr12:53,057,015, C>T. VCF-style: chr12-53057015-C-T. GRCh37 (hg19) VCF-style: chr12-53450799-C-T.
Other names: c.764C>T, p.Ala255Val (NM_001416202.1, NM_001416204.1); c.695C>T, p.Ala232Val (NM_001416203.1, NM_015319.3); c.794C>T (NM_015319.2); c.392C>T, p.Ala131Val (NM_198316.2); short protein forms A131V, A232V, A255V.
Identifiers: ClinVar variation 2741717 (VCV002741717.5), dbSNP rs776215521, ClinGen allele CA6592061.

ClinVar aggregate classification (germline): Uncertain significance. Review status: criteria provided, multiple submitters, no conflicts (2 of 4 stars). 2 submissions from 2 submitters: Uncertain significance (2). Last evaluated 2024-06-03.

Allele frequency attached by ClinVar (database versions not stated): gnomAD exomes 0.00001; TOPMed 0.00001; ExAC 0.00002.
gnomAD v4.1: 18 of 1,613,082 alleles (0.0011%); highest among the groups gnomAD compares: East Asian, 0.02%; no homozygotes.

Submissions (3):

Labcorp Genetics (formerly Invitae), Labcorp
Classification: Uncertain significance. Last evaluated: 2024-06-03. Review status: criteria provided, single submitter. Criteria: Invitae Variant Classification Sherloc (09022015). Collection method: clinical testing. Allele origin: germline.
Comment: This sequence change replaces alanine, which is neutral and non-polar, with valine, which is neutral and non-polar, at codon 265 of the TNS2 protein (p.Ala265Val). This variant is present in population databases (rs776215521, gnomAD 0.02%). This variant has not been reported in the literature in individuals affected with TNS2-related conditions. An algorithm developed to predict the effect of missense changes on protein structure and function (PolyPhen-2) suggests that this variant is likely to be disruptive. In summary, the available evidence is currently insufficient to determine the role of this variant in disease. Therefore, it has been classified as a Variant of Uncertain Significance.

Ambry Genetics
Classification: Uncertain significance. Last evaluated: 2023-12-21. Review status: criteria provided, single submitter. Criteria: Ambry Variant Classification Scheme 2023. Collection method: clinical testing. Allele origin: germline.

Dr. Peter K. Rogan Lab, Western University
No classification provided (evidence only). Condition: Malignant tumor of urinary bladder. Review status: no classification provided. Collection method: in vitro. Allele origin: not applicable. Functional consequence: retained intron. Not counted in ClinVar's aggregate classification.